The following is an entry in ClinVar:

NM_005633.4(SOS1):c.2795T>C (p.Ile932Thr)

Gene: SOS1 (SOS Ras/Rac guanine nucleotide exchange factor 1; minus strand). Cytogenetic location: 2p22.1.
Variant type: single nucleotide variant.
Coding change: c.2795T>C on transcript NM_005633.4 (MANE Select); coding-DNA position 2795, T replaced by C.
Protein change: p.Ile932Thr; replaces isoleucine 932 with threonine.
Molecular consequence: missense variant.
Genome position (GRCh38, 1-based): chr2:38,997,422, A>G on the plus strand (T>C on the coding strand, the complement: SOS1 is on the minus strand). VCF-style: chr2-38997422-A-G. GRCh37 (hg19) VCF-style: chr2-39224563-A-G.
Other names: p.Ile932Thr; c.2774T>C, p.Ile925Thr (NM_001382394.1); c.2795T>C, p.Ile932Thr (NM_001382395.1); short protein forms I932T, I925T.
Identifiers: ClinVar variation 4540636 (VCV004540636.2).

ClinVar aggregate classification (germline): Uncertain significance. Review status: criteria provided, multiple submitters, no conflicts (2 of 4 stars). 2 submissions from 2 submitters: Uncertain significance (2). Last evaluated 2025-06-27.

Conditions:
RASopathy. Also called: Noonan spectrum disorder; rasopathies. Identifiers: Orphanet 536391, MedGen C5555857, MONDO:0021060.

Submissions (2):

Labcorp Genetics (formerly Invitae), Labcorp
Classification: Uncertain significance for RASopathy. Last evaluated: 2025-06-27. Review status: criteria provided, single submitter. Criteria: Invitae Variant Classification Sherloc (09022015). Collection method: clinical testing. Allele origin: germline.
Comment: This sequence change replaces isoleucine, which is neutral and non-polar, with threonine, which is neutral and polar, at codon 932 of the SOS1 protein (p.Ile932Thr). This variant is not present in population databases (gnomAD no frequency). This variant has not been reported in the literature in individuals affected with SOS1-related conditions. Invitae Evidence Modeling of protein sequence and biophysical properties (such as structural, functional, and spatial information, amino acid conservation, physicochemical variation, residue mobility, and thermodynamic stability) indicates that this missense variant is not expected to disrupt SOS1 protein function with a negative predictive value of 95%. In summary, the available evidence is currently insufficient to determine the role of this variant in disease. Therefore, it has been classified as a Variant of Uncertain Significance.

Mayo Clinic Laboratories, Mayo Clinic
Classification: Uncertain significance. Last evaluated: 2025-01-09. Review status: criteria provided, single submitter. Criteria: ACMG Guidelines, 2015. Collection method: clinical testing. Allele origin: germline. Observed: 1 variant allele.
Comment: PM2_supporting